The following is an entry in ClinVar:

NM_138713.4(NFAT5):c.395T>C (p.Val132Ala)

Gene: NFAT5 (nuclear factor of activated T cells 5; plus strand). Cytogenetic location: 16q22.1.
Variant type: single nucleotide variant.
Coding change: c.395T>C on transcript NM_138713.4 (MANE Select); coding-DNA position 395, T replaced by C.
Protein change: p.Val132Ala; replaces valine 132 with alanine.
Molecular consequence: missense variant. On other transcripts: splice donor variant (1).
Genome position (GRCh38, 1-based): chr16:69,647,169, T>C. VCF-style: chr16-69647169-T-C. GRCh37 (hg19) VCF-style: chr16-69681072-T-C.
Other names: c.395T>C, p.Val132Ala (NM_001113178.3); c.341T>C, p.Val114Ala (NM_006599.4); c.113T>C, p.Val38Ala (NM_138714.4, NM_173214.3, NM_173215.3); c.140+2T>C (NM_001367709.1); short protein forms V114A, V132A, V38A.
Identifiers: ClinVar variation 4721700 (VCV004721700.1).
Genomic context (GRCh38, chr16:69,647,169, plus strand): 5'-CTACCTCAGTCACCGACAGCAAGGCTATGCAAGTGGAGAGCTGCTCCTCAGCCGTGGGGG[T>C]AAGTAACAGAGGGGTAAGTGAAAAGCAGTTAACCAGTAACACAGTTCAGCAGCATCCATC-3'
Protein context (NP_619727.2, residues 122-142): QVESCSSAVG[Val132Ala]SNRGVSEKQL

ClinVar aggregate classification (germline): Uncertain significance (1 of 4 stars; one submission).

Conditions:
Immunodeficiency. Identifiers: MedGen C0021051, MONDO:0021094, HP:0002721.

Submission:

Labcorp Genetics (formerly Invitae), Labcorp
Classification: Uncertain significance for Immunodeficiency. Last evaluated: 2025-06-18. Review status: criteria provided, single submitter. Criteria: Invitae Variant Classification Sherloc (09022015). Collection method: clinical testing. Allele origin: germline.
Comment: This sequence change replaces valine, which is neutral and non-polar, with alanine, which is neutral and non-polar, at codon 38 of the NFAT5 protein (p.Val38Ala). This variant is not present in population databases (gnomAD no frequency). This variant has not been reported in the literature in individuals affected with NFAT5-related conditions. An algorithm developed to predict the effect of missense changes on protein structure and function (PolyPhen-2) suggests that this variant is likely to be disruptive. Algorithms developed to predict the effect of sequence changes on RNA splicing suggest that this variant may create or strengthen a splice site. In summary, the available evidence is currently insufficient to determine the role of this variant in disease. Therefore, it has been classified as a Variant of Uncertain Significance.